The following is an entry in ClinVar:

NM_000379.4(XDH):c.3943_3949dup (p.Leu1317fs)

Gene: XDH (xanthine dehydrogenase; minus strand). Cytogenetic location: 2p23.1.
Variant type: Duplication.
Coding change: c.3943_3949dup on transcript NM_000379.4 (MANE Select); coding-DNA positions 3943 to 3949, 7 bases duplicated (ACCACCC; older notation c.3943_3949dupACCACCC).
Protein change: p.Leu1317fs; shifts the reading frame from leucine 1317.
Molecular consequence: frameshift variant.
Genome position (GRCh38, 1-based): chr2:31,337,643-31,337,649, GGGTGGT duplicated on the plus strand (ACCACCC on the coding strand, the reverse complement: XDH is on the minus strand); duplicating any 7 consecutive bases within chr2:31,337,643-31,337,650 gives the same sequence; the c. name uses the placement nearest the transcript's 3' end. VCF-style (leftmost placement, unchanged base first): chr2-31337642-A-AGGGTGGT. GRCh37 (hg19) VCF-style: chr2-31560508-A-AGGGTGGT.
Other names: short protein forms L1317fs.
Identifiers: ClinVar variation 1927576 (VCV001927576.5), dbSNP rs1491482755, ClinGen allele CA531767317.
Genomic context (GRCh38, chr2:31,337,642, plus strand): 5'-GTTTGCCAGCCTATCCCTGGCCTCCCCTGGACTGAGTGGATGCTTGAGGGGCATCATACC[A>AGGGTGGT]GGGTGGTGAACTTGTCCACGCAGGCATTGCGGATCTTCTCCGGGGTGGCAGGGCTGTCTA-3'

ClinVar aggregate classification (germline): Uncertain significance (1 of 4 stars; one submission).

Conditions:
Xanthinuria type II. Also called: Xanthine dehydrogenase and aldehyde oxidase combined deficiency of; XDH and AOX dual deficiency. Identifiers: Orphanet 3467, Orphanet 93602, MedGen C1863688, MONDO:0011346, OMIM 603592.

Submission:

Labcorp Genetics (formerly Invitae), Labcorp
Classification: Uncertain significance for Xanthinuria type II. Last evaluated: 2022-03-12. Review status: criteria provided, single submitter. Criteria: Invitae Variant Classification Sherloc (09022015). Collection method: clinical testing. Allele origin: germline.
Comment: In summary, the available evidence is currently insufficient to determine the role of this variant in disease. Therefore, it has been classified as a Variant of Uncertain Significance. Experimental studies and prediction algorithms are not available or were not evaluated, and the functional significance of this variant is currently unknown. This variant has not been reported in the literature in individuals affected with XDH-related conditions. This variant is present in population databases (no rsID available, gnomAD 0.003%). This sequence change results in a frameshift in the XDH gene (p.Leu1317Hisfs*74). While this is not anticipated to result in nonsense mediated decay, it is expected to disrupt the last 17 amino acid(s) of the XDH protein and extend the protein by 56 additional amino acid residues.